The following is an entry in ClinVar:

NM_000059.4(BRCA2):c.4226dup (p.Leu1409fs)

Gene: BRCA2 (BRCA2 DNA repair associated; plus strand). Cytogenetic location: 13q13.1.
Variant type: Duplication.
Coding change: c.4226dup on transcript NM_000059.4 (MANE Select); coding-DNA position 4226, one base duplicated (T; older notation c.4226dupT).
Protein change: p.Leu1409fs; shifts the reading frame from leucine 1409.
Molecular consequence: frameshift variant. On other transcripts: non-coding transcript variant (1), intron variant (2).
Genome position (GRCh38, 1-based): chr13:32,338,581, T duplicated; the last of 2 consecutive T bases (chr13:32,338,580-32,338,581); duplicating either gives the same sequence. VCF-style (leftmost placement, unchanged base first): chr13-32338579-G-GT. GRCh37 (hg19) VCF-style: chr13-32912716-G-GT.
Other names: c.4226dup, p.Leu1409fs (NM_001406719.1, NM_001406720.1, NM_001432077.1); c.1909+5194dup (NM_001406721.1); c.425-5977dup (NM_001406722.1); short protein forms L1409fs.
Identifiers: ClinVar variation 4856767 (VCV004856767.1).

ClinVar aggregate classification (germline): Pathogenic (1 of 4 stars; one submission).

Conditions:
Breast-ovarian cancer, familial, susceptibility to, 2 (BROVCA2). Also called: BRCA2 Hereditary Breast and Ovarian Cancer. Identifiers: Orphanet 145, MedGen C2675520, MONDO:0012933, OMIM 612555. Disease mechanism: loss of function.

Submission:

Myriad Genetics, Inc.
Classification: Pathogenic for Breast-ovarian cancer, familial, susceptibility to, 2. Last evaluated: 2026-03-25. Review status: criteria provided, single submitter. Criteria: Myriad Autosomal Dominant, Autosomal Recessive and X-Linked Classification Criteria (2023). Collection method: clinical testing. Allele origin: unknown.
Comment: This variant is considered pathogenic. This variant creates a frameshift predicted to result in premature protein truncation.